The following is an entry in ClinVar:

NM_130466.4(UBE3B):c.2944C>T (p.Pro982Ser)

Gene: UBE3B (ubiquitin protein ligase E3B; plus strand). Cytogenetic location: 12q24.11.
Variant type: single nucleotide variant.
Coding change: c.2944C>T on transcript NM_130466.4 (MANE Select); coding-DNA position 2944, C replaced by T.
Protein change: p.Pro982Ser; replaces proline 982 with serine.
Molecular consequence: missense variant.
Genome position (GRCh38, 1-based): chr12:109,533,487, C>T. VCF-style: chr12-109533487-C-T. GRCh37 (hg19) VCF-style: chr12-109971292-C-T.
Other names: c.2944C>T, p.Pro982Ser (NM_183415.3); short protein forms P982S.
Identifiers: ClinVar variation 2046437 (VCV002046437.4), dbSNP rs148729825, ClinGen allele CA6778380.

ClinVar aggregate classification (germline): Uncertain significance. Review status: criteria provided, multiple submitters, no conflicts (2 of 4 stars). 3 submissions from 3 submitters: Uncertain significance (2). 1 of the submissions does not count toward it. Last evaluated 2024-10-09.

Conditions:
Inborn genetic diseases. Identifiers: MedGen C0950123, MeSH D030342.
Oculocerebrofacial syndrome, Kaufman type. Also called: Blepharophimosis-ptosis-intellectual disability syndrome. Identifiers: Orphanet 2707, MedGen C1855663, MONDO:0009485, OMIM 244450.

Allele frequency attached by ClinVar (database versions not stated): ESP Exome Variant Server 0.00008; TOPMed 0.00009.
gnomAD v4.1: 238 of 1,614,012 alleles (0.015%); highest among the groups gnomAD compares: South Asian, 0.023%; no homozygotes.

Submissions (3):

Ambry Genetics
Classification: Uncertain significance for Inborn genetic diseases. Last evaluated: 2024-10-09. Review status: criteria provided, single submitter. Criteria: Ambry Variant Classification Scheme 2023. Collection method: clinical testing. Allele origin: germline.

Labcorp Genetics (formerly Invitae), Labcorp
Classification: Uncertain significance. Last evaluated: 2022-03-15. Review status: criteria provided, single submitter. Criteria: Invitae Variant Classification Sherloc (09022015). Collection method: clinical testing. Allele origin: germline.
Comment: This sequence change replaces proline, which is neutral and non-polar, with serine, which is neutral and polar, at codon 982 of the UBE3B protein (p.Pro982Ser). This variant is present in population databases (rs148729825, gnomAD 0.02%). This variant has not been reported in the literature in individuals affected with UBE3B-related conditions. Algorithms developed to predict the effect of missense changes on protein structure and function are either unavailable or do not agree on the potential impact of this missense change (SIFT: "Deleterious"; PolyPhen-2: "Probably Damaging"; Align-GVGD: "Class C0"). In summary, the available evidence is currently insufficient to determine the role of this variant in disease. Therefore, it has been classified as a Variant of Uncertain Significance.

Hong-Tao Li Lab, Institute of Brain Science and Brain-inspired Research, Shandong First Medical University & Shandong Academy of Medical Sciences China
Classification: Uncertain significance for Oculocerebrofacial syndrome, Kaufman type. Review status: no assertion criteria provided. Collection method: research. Allele origin: germline. Inheritance: Autosomal recessive inheritance. Affected: yes. Observed: 1 variant allele, 1 homozygote. Not counted in ClinVar's aggregate classification.
Comment: Observed in affected individuals from a Pakistani neurodevelopmental-disorder research cohort of 263 individuals. Classification assigned using the ACMG/AMP framework. Population-frequency evidence: gnomAD AF 6.365e-05.